The following is an entry in ClinVar:

NM_178452.6(DNAAF1):c.1187G>T (p.Gly396Val)

Gene: DNAAF1 (dynein axonemal assembly factor 1; plus strand). Cytogenetic location: 16q24.1.
Variant type: single nucleotide variant.
Coding change: c.1187G>T on transcript NM_178452.6 (MANE Select); coding-DNA position 1187, G replaced by T.
Protein change: p.Gly396Val; replaces glycine 396 with valine.
Molecular consequence: missense variant.
Genome position (GRCh38, 1-based): chr16:84,170,015, G>T. VCF-style: chr16-84170015-G-T. GRCh37 (hg19) VCF-style: chr16-84203621-G-T.
Other names: c.479G>T, p.Gly160Val (NM_001318756.1); short protein forms G396V, G160V.
Identifiers: ClinVar variation 636348 (VCV000636348.12), dbSNP rs149958269, ClinGen allele CA8202785.

ClinVar aggregate classification (germline): Uncertain significance. Review status: criteria provided, multiple submitters, no conflicts (2 of 4 stars). 4 submissions from 4 submitters: Uncertain significance (4). Last evaluated 2024-10-09.

Conditions:
Primary ciliary dyskinesia. Also called: Ciliary dyskinesia. Identifiers: Orphanet 244, MedGen C0008780, MONDO:0016575, HP:0012265.
Primary ciliary dyskinesia 13. Also called: CILIARY DYSKINESIA, PRIMARY, 13, WITH OR WITHOUT SITUS INVERSUS. Identifiers: Orphanet 244, MedGen C2750790, MONDO:0013174, OMIM 613193.

Allele frequency attached by ClinVar (database versions not stated): TOPMed 0.00057; 1000 Genomes Project 30x 0.00016; ExAC 0.00016; 1000 Genomes Project 0.00020; ESP Exome Variant Server 0.00023; gnomAD 0.00032.
gnomAD v4.1: 777 of 1,613,878 alleles (0.048%); highest among the groups gnomAD compares: Non-Finnish European, 0.062%; no homozygotes.

Submissions (4):

Blueprint Genetics
Classification: Uncertain significance. Last evaluated: 2024-10-09. Review status: criteria provided, single submitter. Criteria: ACMG Guidelines, 2015. Collection method: clinical testing. Allele origin: germline.

Labcorp Genetics (formerly Invitae), Labcorp
Classification: Uncertain significance for Primary ciliary dyskinesia. Last evaluated: 2024-07-23. Review status: criteria provided, single submitter. Criteria: Invitae Variant Classification Sherloc (09022015). Collection method: clinical testing. Allele origin: germline.
Comment: This sequence change replaces glycine, which is neutral and non-polar, with valine, which is neutral and non-polar, at codon 396 of the DNAAF1 protein (p.Gly396Val). This variant is present in population databases (rs149958269, gnomAD 0.04%). This variant has not been reported in the literature in individuals affected with DNAAF1-related conditions. ClinVar contains an entry for this variant (Variation ID: 636348). An algorithm developed to predict the effect of missense changes on protein structure and function outputs the following: PolyPhen-2: "Benign". The valine amino acid residue is found in multiple mammalian species, which suggests that this missense change does not adversely affect protein function. In summary, the available evidence is currently insufficient to determine the role of this variant in disease. Therefore, it has been classified as a Variant of Uncertain Significance.

Fulgent Genetics
Classification: Uncertain significance for Primary ciliary dyskinesia 13. Last evaluated: 2021-10-13. Review status: criteria provided, single submitter. Criteria: ACMG Guidelines, 2015. Collection method: clinical testing. Allele origin: unknown.

Ambry Genetics
Classification: Uncertain significance for Primary ciliary dyskinesia. Last evaluated: 2019-07-18. Review status: criteria provided, single submitter. Criteria: Ambry Variant Classification Scheme 2023. Collection method: clinical testing. Allele origin: germline.
Comment: The p.G396V variant (also known as c.1187G>T), located in coding exon 8 of the DNAAF1 gene, results from a G to T substitution at nucleotide position 1187. The glycine at codon 396 is replaced by valine, an amino acid with dissimilar properties. This amino acid position is poorly conserved in available vertebrate species. In addition, this alteration is predicted to be tolerated by in silico analysis. Since supporting evidence is limited at this time, the clinical significance of this alteration remains unclear.